The following is an entry in ClinVar:

NM_001286535.2(RAD9B):c.526C>G (p.Gln176Glu)

Gene: RAD9B (RAD9 checkpoint clamp component B; plus strand). Cytogenetic location: 12q24.11.
Variant type: single nucleotide variant.
Coding change: c.526C>G on transcript NM_001286535.2 (MANE Select); coding-DNA position 526, C replaced by G.
Protein change: p.Gln176Glu; replaces glutamine 176 with glutamic acid.
Molecular consequence: missense variant. On other transcripts: 5 prime UTR variant (3), intron variant (1).
Genome position (GRCh38, 1-based): chr12:110,515,087, C>G. VCF-style: chr12-110515087-C-G. GRCh37 (hg19) VCF-style: chr12-110952892-C-G.
Other names: NC_000012.11:g.110952892C>G; c.310C>G, p.Gln104Glu (NM_001286531.2, NM_001286532.2, NM_001368051.1 and 1 more transcripts); c.52C>G, p.Gln18Glu (NM_001286533.2, NM_001286534.2); c.526C>G, p.Gln176Glu (NM_001368052.1, NM_152442.4); c.-66C>G (NM_001368054.1, NM_001368055.1, NM_001368056.1); c.389-3589C>G (NM_001286536.2); short protein forms Q104E, Q176E, Q18E.
Identifiers: ClinVar variation 3037766 (VCV003037766.3), dbSNP rs61758787, ClinGen allele CA6786028.
Genomic context (GRCh38, chr12:110,515,087, plus strand): 5'-ATACTGTTCTTTACATTTTATAGATTGCTTGCTGATGCCATTGTTCTTTTTACATCAAGT[C>G]AAGAGGAAGTTACTCTTGCTGTTACTCCACTGAATTTTTGCCTCAAGAGTTCTAATGAGG-3'
Protein context (NP_001273464.1, residues 166-186): ADAIVLFTSS[Gln176Glu]EEVTLAVTPL

ClinVar aggregate classification (germline): Likely benign (0 of 4 stars; one submission).

Conditions:
RAD9B-related disorder. Also called: RAD9B-related condition.

Allele frequency attached by ClinVar (database versions not stated): 1000 Genomes Project 30x 0.00016; 1000 Genomes Project 0.00020; ESP Exome Variant Server 0.00193; TOPMed 0.00203; gnomAD 0.00245; ExAC 0.00259; gnomAD exomes 0.00306.
gnomAD v4.1: 4,565 of 1,556,146 alleles (0.29%); highest among the groups gnomAD compares: Non-Finnish European, 0.36%; 16 homozygotes.

Submissions (2):

PreventionGenetics, part of Exact Sciences
Classification: Likely benign for RAD9B-related condition. Last evaluated: 2023-03-23. Review status: no assertion criteria provided. Collection method: clinical testing. Allele origin: germline.
Comment: This variant is classified as likely benign based on ACMG/AMP sequence variant interpretation guidelines (Richards et al. 2015 PMID: 25741868, with internal and published modifications).

Dr. Peter K. Rogan Lab, Western University
No classification provided (evidence only). Condition: Lymphoma. Review status: no classification provided. Collection method: in vitro. Allele origin: not applicable. Functional consequence: retained intron. Not counted in ClinVar's aggregate classification.